The following is an entry in ClinVar:

ClinVar aggregate classification (germline): Uncertain significance (1 of 4 stars; one submission).

Conditions:
Proline dehydrogenase deficiency (HYRPRO1). Also called: Hyperprolinemia type 1; PROLINE OXIDASE DEFICIENCY. Identifiers: Orphanet 419, MedGen C0268529, MONDO:0009400, OMIM 239500.

Allele frequency attached by ClinVar (database versions not stated): ExAC 0.00013.

Submission:

Labcorp Genetics (formerly Invitae), Labcorp
Classification: Uncertain significance for Proline dehydrogenase deficiency. Last evaluated: 2023-09-11. Review status: criteria provided, single submitter. Criteria: Invitae Variant Classification Sherloc (09022015). Collection method: clinical testing. Allele origin: germline.
Comment: The frequency data for this variant in the population databases is considered unreliable, as metrics indicate poor data quality at this position in the gnomAD database. This sequence change replaces glycine, which is neutral and non-polar, with arginine, which is basic and polar, at codon 40 of the PRODH protein (p.Gly40Arg). This variant has not been reported in the literature in individuals affected with PRODH-related conditions. In summary, the available evidence is currently insufficient to determine the role of this variant in disease. Therefore, it has been classified as a Variant of Uncertain Significance. Algorithms developed to predict the effect of missense changes on protein structure and function output the following: SIFT: "Not Available"; PolyPhen-2: "Benign"; Align-GVGD: "Not Available". The arginine amino acid residue is found in multiple mammalian species, which suggests that this missense change does not adversely affect protein function. ClinVar contains an entry for this variant (Variation ID: 1422274).

NM_016335.6(PRODH):c.118G>C (p.Gly40Arg)

Gene: PRODH (proline dehydrogenase 1; minus strand). Cytogenetic location: 22q11.21.
Variant type: single nucleotide variant.
Coding change: c.118G>C on transcript NM_016335.6 (MANE Select); coding-DNA position 118, G replaced by C.
Protein change: p.Gly40Arg; replaces glycine 40 with arginine.
Molecular consequence: missense variant. On other transcripts: intron variant (1).
Genome position (GRCh38, 1-based): chr22:18,936,170, C>G on the plus strand (G>C on the coding strand, the complement: PRODH is on the minus strand). VCF-style: chr22-18936170-C-G. GRCh37 (hg19) VCF-style: chr22-18923683-C-G.
Other names: c.-52+220G>C (NM_001195226.2); short protein forms G40R.
Identifiers: ClinVar variation 1422274 (VCV001422274.8), dbSNP rs780423887, ClinGen allele CA10095502.